The following is an entry in ClinVar:

NM_004360.5(CDH1):c.1064dup (p.Leu355fs)

Gene: CDH1 (cadherin 1; plus strand). Cytogenetic location: 16q22.1.
Variant type: Duplication.
Coding change: c.1064dup on transcript NM_004360.5 (MANE Select); coding-DNA position 1064, one base duplicated (T; older notation c.1064dupT).
Protein change: p.Leu355fs; shifts the reading frame from leucine 355.
Molecular consequence: frameshift variant. On other transcripts: 5 prime UTR variant (2).
Genome position (GRCh38, 1-based): chr16:68,812,190, T duplicated; the last of 2 consecutive T bases (chr16:68,812,189-68,812,190); duplicating either gives the same sequence. VCF-style (leftmost placement, unchanged base first): chr16-68812188-G-GT. GRCh37 (hg19) VCF-style: chr16-68846091-G-GT.
Other names: c.1064dup, p.Leu355fs (NM_001317184.2); c.-552dup (NM_001317185.2); c.-756dup (NM_001317186.2); c.1064dupT (NM_004360.3); short protein forms L355fs.
Identifiers: ClinVar variation 859633 (VCV000859633.14), dbSNP rs1555515731, ClinGen allele CA916081843.

ClinVar aggregate classification (germline): Pathogenic. Review status: criteria provided, multiple submitters, no conflicts (2 of 4 stars). 4 submissions from 4 submitters: Pathogenic (4). Last evaluated 2024-03-08.

Conditions:
Hereditary diffuse gastric adenocarcinoma (HDGC). Also called: DIFFUSE GASTRIC AND LOBULAR BREAST CANCER SYNDROME. Identifiers: Orphanet 26106, MedGen C1708349, MONDO:0007648, OMIM 137215.
Hereditary cancer-predisposing syndrome. Also called: Hereditary neoplastic syndrome; Tumor predisposition; Neoplastic Syndromes, Hereditary; Hereditary Cancer Syndrome. Identifiers: Orphanet 140162, MedGen C0027672, MeSH D009386, MONDO:0015356.

Submissions (4):

Molecular Pathology, Peter Maccallum Cancer Centre
Classification: Pathogenic for Hereditary diffuse gastric adenocarcinoma. Last evaluated: 2024-03-08. Review status: criteria provided, single submitter. Criteria: ACMG Guidelines, 2015. Collection method: clinical testing. Allele origin: germline. Inheritance: Autosomal dominant inheritance.

Myriad Genetics, Inc.
Classification: Pathogenic for Hereditary diffuse gastric adenocarcinoma. Last evaluated: 2023-06-12. Review status: criteria provided, single submitter. Criteria: Myriad Autosomal Dominant, Autosomal Recessive and X-Linked Classification Criteria (2023). Collection method: clinical testing. Allele origin: unknown.
Comment: This variant is considered pathogenic. This variant creates a frameshift predicted to result in premature protein truncation.

Ambry Genetics
Classification: Pathogenic for Hereditary cancer-predisposing syndrome. Last evaluated: 2023-02-24. Review status: criteria provided, single submitter. Criteria: Ambry Variant Classification Scheme 2023. Collection method: clinical testing. Allele origin: germline.
Comment: The c.1064dupT pathogenic mutation, located in coding exon 8 of the CDH1 gene, results from a duplication of T at nucleotide position 1064, causing a translational frameshift with a predicted alternate stop codon (p.L355Ffs*13). This alteration has been reported in an individual affected with diffuse gastric cancer (Brooks-Wilson AR et al. J Med Genet, 2004 Jul;41:508-17). This variant was reported in 1/60,466 breast cancer cases and in 0/53,461 controls (Dorling et al. N Engl J Med. 2021 02;384:428-439). This variant is considered to be rare based on population cohorts in the Genome Aggregation Database (gnomAD). In addition to the clinical data presented in the literature, this alteration is expected to result in loss of function by premature protein truncation or nonsense-mediated mRNA decay. As such, this alteration is interpreted as a disease-causing mutation.

Labcorp Genetics (formerly Invitae), Labcorp
Classification: Pathogenic for Hereditary diffuse gastric adenocarcinoma. Last evaluated: 2022-02-18. Review status: criteria provided, single submitter. Criteria: Invitae Variant Classification Sherloc (09022015). Collection method: clinical testing. Allele origin: germline.
Comment: This sequence change creates a premature translational stop signal (p.Leu355Phefs*13) in the CDH1 gene. It is expected to result in an absent or disrupted protein product. Loss-of-function variants in CDH1 are known to be pathogenic (PMID: 15235021, 20373070). This variant is not present in population databases (gnomAD no frequency). This premature translational stop signal has been observed in individual(s) with diffuse gastric cancer (PMID: 15235021). ClinVar contains an entry for this variant (Variation ID: 859633). For these reasons, this variant has been classified as Pathogenic.

Literature cited by the submitters: PubMed 15235021 (cited by Ambry Genetics and Labcorp Genetics (formerly Invitae), Labcorp); PubMed 33471991 (cited by Ambry Genetics); PubMed 20373070 (cited by Labcorp Genetics (formerly Invitae), Labcorp).